The following is an entry in ClinVar:

NM_001006658.3(CR2):c.206A>G (p.Asp69Gly)

Gene: CR2 (complement C3d receptor 2; plus strand). Cytogenetic location: 1q32.2.
Variant type: single nucleotide variant.
Coding change: c.206A>G on transcript NM_001006658.3 (MANE Select); coding-DNA position 206, A replaced by G.
Protein change: p.Asp69Gly; replaces aspartic acid 69 with glycine.
Molecular consequence: missense variant.
Genome position (GRCh38, 1-based): chr1:207,466,673, A>G. VCF-style: chr1-207466673-A-G. GRCh37 (hg19) VCF-style: chr1-207640018-A-G.
Other names: c.206A>G, p.Asp69Gly (NM_001877.5); short protein forms D69G.
Identifiers: ClinVar variation 853845 (VCV000853845.9), dbSNP rs1658109013, ClinGen allele CA344523019.

ClinVar aggregate classification (germline): Uncertain significance (1 of 4 stars; one submission).

Conditions:
Immunodeficiency, common variable, 7. Identifiers: Orphanet 1572, Orphanet 696894, MedGen C3542922, MONDO:0013862, OMIM 614699.

Allele frequency attached by ClinVar (database versions not stated): TOPMed 0.00001.
gnomAD v4.1: 2 of 1,614,114 alleles (0.00012%); highest among the groups gnomAD compares: Non-Finnish European, 0.00017%; no homozygotes.

Submission:

Labcorp Genetics (formerly Invitae), Labcorp
Classification: Uncertain significance for Immunodeficiency, common variable, 7. Last evaluated: 2022-02-25. Review status: criteria provided, single submitter. Criteria: Invitae Variant Classification Sherloc (09022015). Collection method: clinical testing. Allele origin: germline.
Comment: This variant has not been reported in the literature in individuals affected with CR2-related conditions. In summary, the available evidence is currently insufficient to determine the role of this variant in disease. Therefore, it has been classified as a Variant of Uncertain Significance. Algorithms developed to predict the effect of missense changes on protein structure and function are either unavailable or do not agree on the potential impact of this missense change (SIFT: "Deleterious"; PolyPhen-2: "Possibly Damaging"; Align-GVGD: "Class C0"). ClinVar contains an entry for this variant (Variation ID: 853845). This variant is not present in population databases (gnomAD no frequency). This sequence change replaces aspartic acid, which is acidic and polar, with glycine, which is neutral and non-polar, at codon 69 of the CR2 protein (p.Asp69Gly).